The following is an entry in ClinVar:

NM_006493.4(CLN5):c.42del (p.Arg15fs)

Genes: CLN5 (CLN5 lysosomal BMP synthase; plus strand), LOC130009913 (ATAC-STARR-seq lymphoblastoid silent region 5414; plus strand). Cytogenetic location: 13q22.3.
Variant type: Deletion.
Coding change: c.42del on transcript NM_006493.4 (MANE Select); coding-DNA position 42, one base deleted (G; older notation c.42delG).
Protein change: p.Arg15fs; shifts the reading frame from arginine 15.
Molecular consequence: frameshift variant.
Genome position (GRCh38, 1-based): chr13:76,992,140, G deleted; the last of 2 consecutive G bases (chr13:76,992,139-76,992,140); deleting either gives the same sequence. VCF-style (leftmost placement, unchanged base first): chr13-76992138-CG-C. GRCh37 (hg19) VCF-style: chr13-77566273-CG-C.
Other names: c.42del, p.Arg15fs (NM_001366624.2); short protein forms R15fs.
Identifiers: ClinVar variation 1878641 (VCV001878641.1), dbSNP rs2501124074, ClinGen allele CA2580087752.
Genomic context (GRCh38, chr13:76,992,138, plus strand): 5'-GGAAGTACTGGGTGCAGCCTGATGGCGCAGGAGGTAGACACGGCACAGGGCGCCGAGATG[CG>C]GCGGGGCGCGGGCGCGGCTCGGGGACGCGCTTCCTGGTGCTGGGCCCTGGCGCTGCTTTG-3'

ClinVar aggregate classification (germline): Likely pathogenic (1 of 4 stars; one submission).

Conditions:
Neuronal ceroid lipofuscinosis 5 (CLN5). Also called: Neuronal ceroid lipofuscinosis Finnish variant; NEURONAL CEROID LIPOFUSCINOSIS, LATE INFANTILE, FINNISH VARIANT; CEROID LIPOFUSCINOSIS, NEURONAL, 5, VARIABLE AGE AT ONSET; CLN5-Related Neuronal Ceroid-Lipofuscinosis. Identifiers: Orphanet 168491, Orphanet 228360, MedGen C1850442, MONDO:0009745, OMIM 256731.

Submission:

Neuberg Centre For Genomic Medicine, NCGM
Classification: Likely pathogenic for Neuronal ceroid lipofuscinosis 5. Review status: criteria provided, single submitter. Criteria: ACMG Guidelines, 2015. Collection method: clinical testing. Allele origin: germline. Affected: yes.
Comment: The frameshift deletion p.Gly65AlafsTer98 in CLN5 (NM_006493.4) has not been reported previously as a pathogenic variant nor as a benign variant, to our knowledge. The p.Gly65AlafsTer98 variant is novel (not in any individuals) in gnomAD Exomes and is novel (not in any individuals) in 1000 Genomes. This variant is predicted to cause loss of normal protein function through protein truncation. Loss of function variants have been reported to be disease causing. For these reasons, this variant has been classified as Likely Pathogenic